The following is an entry in ClinVar:

ClinVar aggregate classification (germline): Uncertain significance (1 of 4 stars; one submission).

Submission:

Labcorp Genetics (formerly Invitae), Labcorp
Classification: Uncertain significance. Last evaluated: 2025-04-08. Review status: criteria provided, single submitter. Criteria: Invitae Variant Classification Sherloc (09022015). Collection method: clinical testing. Allele origin: germline.
Comment: This sequence change replaces glutamic acid, which is acidic and polar, with lysine, which is basic and polar, at codon 62 of the GALNT12 protein (p.Glu62Lys). The frequency data for this variant in the population databases is considered unreliable, as metrics indicate insufficient coverage at this position in the gnomAD database. This variant has not been reported in the literature in individuals affected with GALNT12-related conditions. Experimental studies and prediction algorithms are not available or were not evaluated, and the functional significance of this variant is currently unknown. In summary, the available evidence is currently insufficient to determine the role of this variant in disease. Therefore, it has been classified as a Variant of Uncertain Significance.

NM_024642.5(GALNT12):c.184G>A (p.Glu62Lys)

Gene: GALNT12 (polypeptide N-acetylgalactosaminyltransferase 12; plus strand). Cytogenetic location: 9q22.33.
Variant type: single nucleotide variant.
Coding change: c.184G>A on transcript NM_024642.5 (MANE Select); coding-DNA position 184, G replaced by A.
Protein change: p.Glu62Lys; replaces glutamic acid 62 with lysine.
Molecular consequence: missense variant.
Genome position (GRCh38, 1-based): chr9:98,807,882, G>A. VCF-style: chr9-98807882-G-A. GRCh37 (hg19) VCF-style: chr9-101570164-G-A.
Other names: short protein forms E62K.
Identifiers: ClinVar variation 4716864 (VCV004716864.1).
Genomic context (GRCh38, chr9:98,807,882, plus strand): 5'-GGGGCCGGGGCCGGGGCTGCCGAGCCGGGACCCCCGCGCACCCCGCGCCCCGGGCGGCGC[G>A]AGCCGGTCATGCCGCGGCCGCCGGTGCCGGCGAACGCGCTGGGCGCGCGGGGCGAGGCGG-3'
Protein context (NP_078918.3, residues 52-72): PPRTPRPGRR[Glu62Lys]PVMPRPPVPA